The following is an entry in ClinVar:

NM_002473.6(MYH9):c.5734C>T (p.Arg1912Cys)

Gene: MYH9 (myosin heavy chain 9; minus strand). Cytogenetic location: 22q12.3.
Variant type: single nucleotide variant.
Coding change: c.5734C>T on transcript NM_002473.6 (MANE Select); coding-DNA position 5734, C replaced by T.
Protein change: p.Arg1912Cys; replaces arginine 1912 with cysteine.
Molecular consequence: missense variant.
Genome position (GRCh38, 1-based): chr22:36,284,124, G>A on the plus strand (C>T on the coding strand, the complement: MYH9 is on the minus strand). VCF-style: chr22-36284124-G-A. GRCh37 (hg19) VCF-style: chr22-36680170-G-A.
Other names: short protein forms R1912C.
Identifiers: ClinVar variation 2632553 (VCV002632553.2), dbSNP rs1603482694, ClinGen allele CA411372443.
Genomic context (GRCh38, chr22:36,284,124, plus strand): 5'-CAAAGGGGCGGGTGGGCAGGGCGGCTCACCTGAGCTTGTTCTTTAGGGAGCTGACTTCGC[G>A]GTTCATGGCATCGGCCGTCTCAGTGGCGTCCTCCAGCTCGCGCTGCAGTTTCCGGCGGGA-3'
Protein context (NP_002464.1, residues 1902-1922): DATETADAMN[Arg1912Cys]EVSSLKNKLR

ClinVar aggregate classification (germline): Uncertain significance. Review status: criteria provided, multiple submitters, no conflicts (2 of 4 stars). 2 submissions from 2 submitters: Uncertain significance (2). Last evaluated 2025-05-25.

Conditions:
MYH9-related disorder. Identifiers: MedGen C1854520.

gnomAD v4.1: 1 of 1,614,196 alleles (0.000062%); highest among the groups gnomAD compares: Non-Finnish European, 0.000085%; no homozygotes.

Submissions (2):

Labcorp Genetics (formerly Invitae), Labcorp
Classification: Uncertain significance. Last evaluated: 2025-05-25. Review status: criteria provided, single submitter. Criteria: Invitae Variant Classification Sherloc (09022015). Collection method: clinical testing. Allele origin: germline.
Comment: This sequence change replaces arginine, which is basic and polar, with cysteine, which is neutral and slightly polar, at codon 1912 of the MYH9 protein (p.Arg1912Cys). This variant is not present in population databases (gnomAD no frequency). This variant has not been reported in the literature in individuals affected with MYH9-related conditions. ClinVar contains an entry for this variant (Variation ID: 2632553). Invitae Evidence Modeling of protein sequence and biophysical properties (such as structural, functional, and spatial information, amino acid conservation, physicochemical variation, residue mobility, and thermodynamic stability) has been performed for this missense variant. However, the output from this modeling did not meet the statistical confidence thresholds required to predict the impact of this variant on MYH9 protein function. In summary, the available evidence is currently insufficient to determine the role of this variant in disease. Therefore, it has been classified as a Variant of Uncertain Significance.

PreventionGenetics, part of Exact Sciences
Classification: Uncertain significance for MYH9-related condition. Last evaluated: 2023-08-20. Review status: criteria provided, single submitter. Criteria: ACMG Guidelines, 2015. Collection method: clinical testing. Allele origin: germline.
Comment: The MYH9 c.5734C>T variant is predicted to result in the amino acid substitution p.Arg1912Cys. To our knowledge, this variant has not been reported in the literature or in a large population database, indicating this variant is rare. At this time, the clinical significance of this variant is uncertain due to the absence of conclusive functional and genetic evidence.